The following is an entry in ClinVar:

NM_194248.3(OTOF):c.98G>A (p.Arg33Gln)

Gene: OTOF (otoferlin; minus strand). Cytogenetic location: 2p23.3.
Variant type: single nucleotide variant.
Coding change: c.98G>A on transcript NM_194248.3 (MANE Select); coding-DNA position 98, G replaced by A.
Protein change: p.Arg33Gln; replaces arginine 33 with glutamine.
Molecular consequence: missense variant.
Genome position (GRCh38, 1-based): chr2:26,537,756, C>T on the plus strand (G>A on the coding strand, the complement: OTOF is on the minus strand). VCF-style: chr2-26537756-C-T. GRCh37 (hg19) VCF-style: chr2-26760624-C-T.
Other names: c.98G>A, p.Arg33Gln (NM_001287489.2); short protein forms R33Q.
Identifiers: ClinVar variation 48278 (VCV000048278.24), dbSNP rs56332208, ClinGen allele CA142961.

ClinVar aggregate classification (germline): Conflicting classifications of pathogenicity. Review status: criteria provided, conflicting classifications (1 of 4 stars). 8 submissions from 8 submitters: Uncertain significance (1); Benign (5); Likely benign (2). Last evaluated 2026-02-01.

Conditions:
Autosomal recessive nonsyndromic hearing loss 9. Also called: Deafness, autosomal recessive 9; AUDITORY NEUROPATHY, AUTOSOMAL RECESSIVE, 1, TEMPERATURE-SENSITIVE; NEUROSENSORY NONSYNDROMIC RECESSIVE DEAFNESS 9; OTOF-Related Hearing Loss. Identifiers: Orphanet 90636, MedGen C1832828, MONDO:0010986, OMIM 601071.

Allele frequency attached by ClinVar (database versions not stated): ExAC 0.00371; ESP Exome Variant Server 0.00651; gnomAD 0.00684 and 0.00731; TOPMed 0.00791; 1000 Genomes Project 0.00958; 1000 Genomes Project 30x 0.01031.

Submissions (9):

Labcorp Genetics (formerly Invitae), Labcorp
Classification: Benign. Last evaluated: 2026-02-01. Review status: criteria provided, single submitter. Criteria: Invitae Variant Classification Sherloc (09022015). Collection method: clinical testing. Allele origin: germline.

ARUP Laboratories, Molecular Genetics and Genomics, ARUP Laboratories
Classification: Likely benign. Last evaluated: 2023-11-22. Review status: criteria provided, single submitter. Criteria: ARUP Molecular Germline Variant Investigation Process 2024. Collection method: clinical testing. Allele origin: germline.

Women's Health and Genetics/Laboratory Corporation of America, LabCorp
Classification: Likely benign. Last evaluated: 2021-12-10. Review status: criteria provided, single submitter. Criteria: LabCorp Variant Classification Summary - May 2015. Collection method: clinical testing. Allele origin: germline.

GeneDx
Classification: Benign. Last evaluated: 2019-03-06. Review status: criteria provided, single submitter. Criteria: GeneDx Variant Classification Process June 2021. Collection method: clinical testing. Allele origin: germline. Affected: yes.
Comment: This variant is associated with the following publications: (PMID: 19461658, 29362361)

Athena Diagnostics
Classification: Benign. Last evaluated: 2018-08-31. Review status: criteria provided, single submitter. Criteria: Athena Diagnostics Criteria. Collection method: clinical testing. Allele origin: germline.

Illumina Laboratory Services, Illumina
Classification: Uncertain significance for Autosomal recessive nonsyndromic hearing loss 9. Last evaluated: 2017-04-28. Review status: criteria provided, single submitter. Criteria: ICSL Variant Classification Criteria 13 December 2019. Collection method: clinical testing. Allele origin: germline.
Comment: This variant was observed as part of a predisposition screen in an ostensibly healthy population. A literature search was performed for the gene, cDNA change, and amino acid change (where applicable). Publications were found based on this search. However, the evidence from the literature, in combination with allele frequency data from public databases where available, was not sufficient to rule this variant in or out of causing disease. Therefore, this variant is classified as a variant of unknown significance.

Laboratory for Molecular Medicine, Mass General Brigham Personalized Medicine
Classification: Benign. Last evaluated: 2011-09-12. Review status: criteria provided, single submitter. Criteria: LMM Criteria. Collection method: clinical testing. Allele origin: germline. Observed: 9 variant alleles.
Comment: Arg33Gln in exon 2 of OTOF: This variant has been reported in one study after id entification in a single hearing loss proband (Romanos 2006). However, this vari ant is not expected to have clinical significance because it is present in the d bSNP database (rs56332208) with a frequency of 6.8% (8/118 chromosomes) in the Y RI HapMap population and 1.1% (34/3098) in the ESP North American cohort.

PreventionGenetics, part of Exact Sciences
Classification: Benign. Review status: criteria provided, single submitter. Criteria: ACMG Guidelines, 2015. Collection method: clinical testing. Allele origin: germline.

Dr. Peter K. Rogan Lab, Western University
No classification provided (evidence only). Condition: Malignant tumor of esophagus. Review status: no classification provided. Collection method: in vitro. Allele origin: not applicable. Functional consequence: retained intron. Not counted in ClinVar's aggregate classification.

Literature cited by the submitters: PubMed 19461658 (cited by 3 submitters); PubMed 29362361 (cited by Athena Diagnostics).